The following is an entry in ClinVar:

NM_152703.5(SAMD9L):c.3882G>C (p.Lys1294Asn)

Gene: SAMD9L (sterile alpha motif domain containing 9 like; minus strand). Cytogenetic location: 7q21.2.
Variant type: single nucleotide variant.
Coding change: c.3882G>C on transcript NM_152703.5 (MANE Select); coding-DNA position 3882, G replaced by C.
Protein change: p.Lys1294Asn; replaces lysine 1294 with asparagine.
Molecular consequence: missense variant.
Genome position (GRCh38, 1-based): chr7:93,132,090, C>G on the plus strand (G>C on the coding strand, the complement: SAMD9L is on the minus strand). VCF-style: chr7-93132090-C-G. GRCh37 (hg19) VCF-style: chr7-92761403-C-G.
Other names: c.3882G>C, p.Lys1294Asn (NM_001303496.3, NM_001303497.3, NM_001303498.3 and 5 more transcripts); short protein forms K1294N.
Identifiers: ClinVar variation 4844834 (VCV004844834.1).
Genomic context (GRCh38, chr7:93,132,090, plus strand): 5'-TAGACATGGATCCAAATGACAGAAAAGTTCTGTGTATTTCCTGAAACAACGACTGACTTT[C>G]TTGCTTAACATGATTTCTGCAATTTCTTTTTGGGTATACCTCATTTTCAGAAGAACCATA-3'
Protein context (NP_689916.2, residues 1284-1304): QKEIAEIMLS[Lys1294Asn]KVSRCFRKYT

ClinVar aggregate classification (germline): Uncertain significance (1 of 4 stars; one submission).

Conditions:
Inborn genetic diseases. Identifiers: MedGen C0950123, MeSH D030342.

Submission:

Ambry Genetics
Classification: Uncertain significance for Inborn genetic diseases. Last evaluated: 2026-02-17. Review status: criteria provided, single submitter. Criteria: Ambry Variant Classification Scheme 2023. Collection method: clinical testing. Allele origin: germline.
Comment: The p.K1294N variant (also known as c.3882G>C), located in coding exon 1 of the SAMD9L gene, results from a G to C substitution at nucleotide position 3882. The lysine at codon 1294 is replaced by asparagine, an amino acid with similar properties. This amino acid position is conserved. In addition, this alteration is predicted to be tolerated by in silico analysis. Based on the available evidence, the clinical significance of this variant remains unclear.